The following is an entry in ClinVar:

ClinVar aggregate classification (germline): Uncertain significance. Review status: criteria provided, multiple submitters, no conflicts (2 of 4 stars). 2 submissions from 2 submitters: Uncertain significance (2). Last evaluated 2023-03-01.

Allele frequency attached by ClinVar (database versions not stated): gnomAD exomes below 0.00001.
gnomAD v4.1: 5 of 1,613,792 alleles (0.00031%); highest among the groups gnomAD compares: Non-Finnish European, 0.00025%; no homozygotes.

Submissions (2):

CeGaT Center for Human Genetics Tuebingen
Classification: Uncertain significance. Last evaluated: 2023-03-01. Review status: criteria provided, single submitter. Criteria: CeGaT Center For Human Genetics Tuebingen Variant Classification Criteria Version 2. Collection method: clinical testing. Allele origin: germline. Affected: yes. Observed: 1 variant allele.
Comment: TLR3: PM2, BP4

Centre of Medical Genetics, University Hospital Muenster
Classification: Uncertain significance. Last evaluated: 2022-03-03. Review status: criteria provided, single submitter. Criteria: ACMG Guidelines, 2015. Collection method: clinical testing. Allele origin: unknown. Affected: yes. Observed: 1 variant allele, 1 heterozygote.
Comment: ACMG categories: PM1,PM2

NM_003265.3(TLR3):c.2455C>T (p.His819Tyr)

Gene: TLR3 (toll like receptor 3; plus strand). Cytogenetic location: 4q35.1.
Variant type: single nucleotide variant.
Coding change: c.2455C>T on transcript NM_003265.3 (MANE Select); coding-DNA position 2455, C replaced by T.
Protein change: p.His819Tyr; replaces histidine 819 with tyrosine.
Molecular consequence: missense variant.
Genome position (GRCh38, 1-based): chr4:186,084,141, C>T. VCF-style: chr4-186084141-C-T. GRCh37 (hg19) VCF-style: chr4-187005295-C-T.
Other names: short protein forms H819Y.
Identifiers: ClinVar variation 1676805 (VCV001676805.27), dbSNP rs1476463610, ClinGen allele CA358937360.